The following is an entry in ClinVar:

NC_000005.9:g.(?_112128133)_(112179823_?)del

Gene: APC (APC regulator of Wnt signaling pathway; plus strand). Cytogenetic location: 5q22.2.
Variant type: Deletion.
Identifiers: ClinVar variation 2422173 (VCV002422173.3).

ClinVar aggregate classification (germline): Pathogenic (1 of 4 stars; one submission).

Conditions:
Familial adenomatous polyposis 1 (FAP1). Also called: FAMILIAL ADENOMATOUS POLYPOSIS 1, ATTENUATED; POLYPOSIS, ADENOMATOUS INTESTINAL. Identifiers: MedGen C2713442, MONDO:0021056, OMIM 175100. Disease mechanism: loss of function.

Submission:

Labcorp Genetics (formerly Invitae), Labcorp
Classification: Pathogenic for Familial adenomatous polyposis 1. Last evaluated: 2022-11-23. Review status: criteria provided, single submitter. Criteria: Invitae Variant Classification Sherloc (09022015). Collection method: clinical testing. Allele origin: germline.
Comment: For these reasons, this variant has been classified as Pathogenic. This variant disrupts a region of the APC protein in which other variant(s) (p.Tyr2645Lysfs*14) have been determined to be pathogenic (PMID: 1316610, 8381579, 9824584, 22135120, 27081525; Invitae). This suggests that this is a clinically significant region of the protein, and that variants that disrupt it are likely to be disease-causing. This variant is expected to disrupt the EB1 and HDLG binding sites, which mediate interactions with the cytoskeleton (PMID: 15311282, 17293347). While functional studies have not been performed to directly test the effect on APC protein function, this suggests that disruption of the C-terminal portion of the protein is functionally important. This variant has not been reported in the literature in individuals affected with APC-related conditions. This variant is a gross deletion of the genomic region encompassing exon(s) 7-16 of the APC gene, which includes the termination codon. This deletion extends beyond the assayed region for this gene and therefore may encompass additional genes. While this deletion is not anticipated to lead to nonsense mediated decay, it is expected to alter mRNA translation or result in a truncated protein product.

Literature cited by the submitters: PubMed 1316610; PubMed 8381579; PubMed 9824584; PubMed 22135120; PubMed 27081525; PubMed 15311282; PubMed 17293347.